The following is an entry in ClinVar:

ClinVar aggregate classification (germline): Pathogenic (1 of 4 stars; one submission).

Conditions:
Mucopolysaccharidosis, MPS-II (MPS2). Also called: Hunter Syndrome; IDURONATE 2-SULFATASE DEFICIENCY; Mucopolysaccharidosis Type II; Mucopolysaccharidosis type 2; Attenuated MPS (subtype; formerly known as mild MPS II); Severe MPS II. Identifiers: Orphanet 580, Orphanet 79388, MedGen C0026705, MONDO:0010674, OMIM 309900.

Submission:

Laboratory of Diagnosis and Therapy of Lysosomal Disorders, University of Padova
Classification: Pathogenic for Mucopolysaccharidosis, MPS-II. Last evaluated: 2024-06-07. Review status: criteria provided, single submitter. Criteria: ACMG Guidelines, 2015. Collection method: literature only. Allele origin: germline. Affected: yes. Observed: 1 variant allele.
Comment: Absent from controls (or at low frequency) in gnomAD database (PM2_Moderate), Missense change at the same amino acid residue as a pathogenic variant (PM5_Moderate), Missense variant in a gene with a low rate of benign missense variation (PP2_Supporting), Multiple lines of computational evidence support a deleterious effect (PP3_Supporting), Patient’s phenotype or family history highly specific for the disease (PP4_Strong)

Classification method: ACMG Guidelines [PMID:25741868] with modifications

Literature cited by the submitters: PubMed 24125893.

NM_000202.8(IDS):c.418G>C (p.Gly140Arg)

Gene: IDS (iduronate 2-sulfatase; minus strand). Cytogenetic location: Xq28.
Variant type: single nucleotide variant.
Coding change: c.418G>C on transcript NM_000202.8 (MANE Select); coding-DNA position 418, G replaced by C.
Protein change: p.Gly140Arg; replaces glycine 140 with arginine.
Molecular consequence: missense variant. On other transcripts: non-coding transcript variant (1).
Genome position (GRCh38, 1-based): chrX:149,503,312, C>G on the plus strand (G>C on the coding strand, the complement: IDS is on the minus strand). VCF-style: chrX-149503312-C-G. GRCh37 (hg19) VCF-style: chrX-148584842-C-G.
Other names: c.148G>C, p.Gly50Arg (NM_001166550.4); c.418G>C, p.Gly140Arg (NM_006123.5); short protein forms G140R, G50R.
Identifiers: ClinVar variation 3255710 (VCV003255710.2).
Genomic context (GRCh38, chrX:149,503,312, plus strand): 5'-GAATGCTGGATTCAGACACCACAAACCAAGAGAACCCAGACTCTGGACATGGAGCAGTAC[C>G]AGGGTGAAAGACTTTTCCCACCGACATGGTCACATAGCCATTCTCCTTGAAGTACTGGGG-3'
Protein context (NP_000193.1, residues 130-150): TMSVGKVFHP[Gly140Arg]ISSNHTDDSP